The following is an entry in ClinVar:

NM_002206.3(ITGA7):c.680T>G (p.Phe227Cys)

Gene: ITGA7 (integrin subunit alpha 7; minus strand). Cytogenetic location: 12q13.2.
Variant type: single nucleotide variant.
Coding change: c.680T>G on transcript NM_002206.3 (MANE Select); coding-DNA position 680, T replaced by G.
Protein change: p.Phe227Cys; replaces phenylalanine 227 with cysteine.
Molecular consequence: missense variant. On other transcripts: intron variant (7).
Genome position (GRCh38, 1-based): chr12:55,699,980, A>C on the plus strand (T>G on the coding strand, the complement: ITGA7 is on the minus strand). VCF-style: chr12-55699980-A-C. GRCh37 (hg19) VCF-style: chr12-56093764-A-C.
Other names: c.497T>G, p.Phe166Cys (NM_001414033.1); c.680T>G, p.Phe227Cys (NM_001414034.1, NM_001374465.1, NM_001414031.1); c.511+282T>G (NM_001144997.2); c.463+282T>G (NM_001367993.1); c.-503+919T>G (NM_001367994.1); c.812T>G, p.Phe271Cys (NM_001410977.1); c.341T>G, p.Phe114Cys (NM_001414035.1); c.670+919T>G (NM_001414032.1); and 1 more; short protein forms F114C, F166C, F227C, F271C.
Identifiers: ClinVar variation 2432914 (VCV002432914.5), dbSNP rs1035220238, ClinGen allele CA237576630.
Genomic context (GRCh38, chr12:55,699,980, plus strand): 5'-GCAGGGTCCAAAGTTTTATACACCAGCTGGTCGGGGTCTGAGCTATCAATGTTGGTCACA[A>C]AAAGCAACCCTGTGGGGGGTGGGGTGAGACACCAGGGAGGGGACATCCAGAGTAGGGGCC-3'
Protein context (NP_002197.2, residues 217-237): PGTYNWKGLL[Phe227Cys]VTNIDSSDPD

ClinVar aggregate classification (germline): Uncertain significance. Review status: criteria provided, multiple submitters, no conflicts (2 of 4 stars). 2 submissions from 2 submitters: Uncertain significance (2). Last evaluated 2025-09-09.

Conditions:
Congenital muscular dystrophy due to integrin alpha-7 deficiency. Also called: MYOPATHY, CONGENITAL, DUE TO INTEGRIN ALPHA-7 DEFICIENCY; Congenital muscular dystrophy with integrin alpha-7 deficiency; Muscular dystrophy, congenital, due to ITGA7 deficiency. Identifiers: Orphanet 34520, MedGen C2750786, MONDO:0013177, OMIM 613204.

Allele frequency attached by ClinVar (database versions not stated): gnomAD 0.00001; gnomAD exomes 0.00001; TOPMed 0.00001.
gnomAD v4.1: 13 of 1,614,010 alleles (0.00081%); highest among the groups gnomAD compares: Admixed American, 0.0017%; no homozygotes.

Submissions (2):

Labcorp Genetics (formerly Invitae), Labcorp
Classification: Uncertain significance for Congenital muscular dystrophy due to integrin alpha-7 deficiency. Last evaluated: 2025-09-09. Review status: criteria provided, single submitter. Criteria: Invitae Variant Classification Sherloc (09022015). Collection method: clinical testing. Allele origin: germline.
Comment: This sequence change replaces phenylalanine, which is neutral and non-polar, with cysteine, which is neutral and slightly polar, at codon 227 of the ITGA7 protein (p.Phe227Cys). This variant is not present in population databases (gnomAD no frequency). This variant has not been reported in the literature in individuals affected with ITGA7-related conditions. ClinVar contains an entry for this variant (Variation ID: 2432914). Invitae Evidence Modeling of protein sequence and biophysical properties (such as structural, functional, and spatial information, amino acid conservation, physicochemical variation, residue mobility, and thermodynamic stability) indicates that this missense variant is expected to disrupt ITGA7 protein function with a positive predictive value of 80%. In summary, the available evidence is currently insufficient to determine the role of this variant in disease. Therefore, it has been classified as a Variant of Uncertain Significance.

Revvity Omics, Revvity
Classification: Uncertain significance for Congenital muscular dystrophy due to integrin alpha-7 deficiency. Last evaluated: 2022-05-04. Review status: criteria provided, single submitter. Criteria: ACMG Guidelines, 2015. Collection method: clinical testing. Allele origin: germline.